The following is an entry in ClinVar:

ClinVar aggregate classification (germline): Pathogenic/Likely pathogenic. Review status: criteria provided, multiple submitters, no conflicts (2 of 4 stars). 3 submissions from 3 submitters: Pathogenic (2); Likely pathogenic (1). Last evaluated 2026-03-27.

Conditions:
Hereditary cancer-predisposing syndrome. Also called: Hereditary neoplastic syndrome; Neoplastic Syndromes, Hereditary; Tumor predisposition; Hereditary Cancer Syndrome. Identifiers: Orphanet 140162, MedGen C0027672, MeSH D009386, MONDO:0015356.
Familial ovarian cancer. Identifiers: MedGen C5679802, MONDO:0016248.
Familial cancer of breast. Also called: BREAST CANCER, FAMILIAL; Hereditary breast cancer; hereditary breast carcinoma. Identifiers: Orphanet 227535, MedGen C0346153, MONDO:0016419, OMIM 114480. Disease mechanism: loss of function.

Submissions (3):

Myriad Genetics, Inc.
Classification: Pathogenic for Familial ovarian cancer. Last evaluated: 2026-03-27. Review status: criteria provided, single submitter. Criteria: Myriad Autosomal Dominant, Autosomal Recessive and X-Linked Classification Criteria (2023). Collection method: clinical testing. Allele origin: unknown.
Comment: This variant is considered pathogenic. This variant creates a termination codon and is predicted to result in premature protein truncation.

Baylor Genetics
Classification: Likely pathogenic for Familial cancer of breast. Last evaluated: 2022-01-05. Review status: criteria provided, single submitter. Criteria: ACMG Guidelines, 2015. Collection method: clinical testing. Allele origin: unknown.

Ambry Genetics
Classification: Pathogenic for Hereditary cancer-predisposing syndrome. Last evaluated: 2019-05-03. Review status: criteria provided, single submitter. Criteria: Ambry Variant Classification Scheme 2023. Collection method: clinical testing. Allele origin: germline.
Comment: The p.Q673* pathogenic mutation (also known as c.2017C>T), located in coding exon 13 of the BRIP1 gene, results from a C to T substitution at nucleotide position 2017. This changes the amino acid from a glutamine to a stop codon within coding exon 13. This alteration is expected to result in loss of function by premature protein truncation or nonsense-mediated mRNA decay. As such, this alteration is interpreted as a disease-causing mutation.

NM_032043.3(BRIP1):c.2017C>T (p.Gln673Ter)

Gene: BRIP1 (BRCA1 interacting DNA helicase 1; minus strand). Cytogenetic location: 17q23.2.
Variant type: single nucleotide variant.
Coding change: c.2017C>T on transcript NM_032043.3 (MANE Select); coding-DNA position 2017, C replaced by T.
Protein change: p.Gln673Ter; replaces glutamine 673 with a stop codon.
Molecular consequence: nonsense.
Genome position (GRCh38, 1-based): chr17:61,776,481, G>A on the plus strand (C>T on the coding strand, the complement: BRIP1 is on the minus strand). VCF-style: chr17-61776481-G-A. GRCh37 (hg19) VCF-style: chr17-59853842-G-A.
Other names: short protein forms Q673*.
Identifiers: ClinVar variation 1784481 (VCV001784481.4), dbSNP rs2145030202, ClinGen allele CA400478321.